The following is an entry in ClinVar:

NM_007194.4(CHEK2):c.36T>C (p.Ser12=)

Gene: CHEK2 (checkpoint kinase 2; minus strand). Cytogenetic location: 22q12.1.
Variant type: single nucleotide variant.
Coding change: c.36T>C on transcript NM_007194.4 (MANE Select); coding-DNA position 36, T replaced by C.
Protein change: p.Ser12=; no amino-acid change (serine 12 retained).
Molecular consequence: synonymous variant.
Genome position (GRCh38, 1-based): chr22:28,734,686, A>G on the plus strand (T>C on the coding strand, the complement: CHEK2 is on the minus strand). VCF-style: chr22-28734686-A-G. GRCh37 (hg19) VCF-style: chr22-29130674-A-G.
Other names: c.36T>C, p.Ser12= (NM_001005735.3, NM_001349956.3, NM_145862.3); c.-742T>C (NM_001257387.3).
Identifiers: ClinVar variation 479572 (VCV000479572.17), dbSNP rs1555932896, ClinGen allele CA513946645.

ClinVar aggregate classification (germline): Benign/Likely benign. Review status: criteria provided, multiple submitters, no conflicts (2 of 4 stars). 4 submissions from 4 submitters: Benign (1); Likely benign (3). Last evaluated 2025-12-29.

Conditions:
Hereditary cancer-predisposing syndrome. Also called: Hereditary Cancer Syndrome; Neoplastic Syndromes, Hereditary; Tumor predisposition; Hereditary neoplastic syndrome. Identifiers: Orphanet 140162, MedGen C0027672, MeSH D009386, MONDO:0015356.
Familial cancer of breast. Also called: BREAST CANCER, FAMILIAL; Hereditary breast cancer; hereditary breast carcinoma. Identifiers: Orphanet 227535, MedGen C0346153, MONDO:0016419, OMIM 114480. Disease mechanism: loss of function.

Submissions (4):

Center for Genomic Medicine, Rigshospitalet, Copenhagen University Hospital
Classification: Likely benign. Last evaluated: 2025-12-29. Review status: criteria provided, single submitter. Criteria: ACMG Guidelines, 2015. Collection method: clinical testing. Allele origin: germline.

Labcorp Genetics (formerly Invitae), Labcorp
Classification: Likely benign for Familial cancer of breast. Last evaluated: 2025-06-27. Review status: criteria provided, single submitter. Criteria: Invitae Variant Classification Sherloc (09022015). Collection method: clinical testing. Allele origin: germline.

Myriad Genetics, Inc.
Classification: Benign for Familial cancer of breast. Last evaluated: 2024-10-01. Review status: criteria provided, single submitter. Criteria: Myriad Autosomal Dominant, Autosomal Recessive and X-Linked Classification Criteria (2023). Collection method: clinical testing. Allele origin: unknown.
Comment: This variant is considered benign. This variant is a silent/synonymous amino acid change and it is not expected to impact splicing.

Ambry Genetics
Classification: Likely benign for Hereditary cancer-predisposing syndrome. Last evaluated: 2016-08-05. Review status: criteria provided, single submitter. Criteria: Ambry Variant Classification Scheme 2023. Collection method: clinical testing. Allele origin: germline.